The following is an entry in ClinVar:

ClinVar aggregate classification (germline): Uncertain significance (1 of 4 stars; one submission).

Conditions:
SEMA3D-related disorder. Also called: SEMA3D-related condition.

gnomAD v4.1: 15 of 1,612,452 alleles (0.00093%); highest among the groups gnomAD compares: African/African-American, 0.0067%; no homozygotes.

Submission:

PreventionGenetics, part of Exact Sciences
Classification: Uncertain significance for SEMA3D-related condition. Last evaluated: 2026-08-12. Review status: criteria provided, single submitter. Criteria: ACMG Guidelines, 2015. Collection method: clinical testing. Allele origin: germline.
Comment: The SEMA3D c.1281G>A variant is predicted to result in the amino acid substitution p.Met427Ile. To our knowledge, this variant has not been reported in the literature. This variant is reported in 0.0062% of alleles in individuals of African descent in gnomAD. At this time, the clinical significance of this variant is uncertain due to the absence of conclusive functional and genetic evidence.

NM_001384900.1(SEMA3D):c.1281G>A (p.Met427Ile)

Gene: SEMA3D (semaphorin 3D; minus strand). Cytogenetic location: 7q21.11.
Variant type: single nucleotide variant.
Coding change: c.1281G>A on transcript NM_001384900.1 (MANE Select); coding-DNA position 1281, G replaced by A.
Protein change: p.Met427Ile; replaces methionine 427 with isoleucine.
Molecular consequence: missense variant.
Genome position (GRCh38, 1-based): chr7:85,022,524, C>T on the plus strand (G>A on the coding strand, the complement: SEMA3D is on the minus strand). VCF-style: chr7-85022524-C-T. GRCh37 (hg19) VCF-style: chr7-84651840-C-T.
Other names: c.1281G>A, p.Met427Ile (NM_001384901.1, NM_001384902.1, NM_001384903.1 and 1 more transcripts); short protein forms M427I.
Identifiers: ClinVar variation 3351178 (VCV003351178.2).
Genomic context (GRCh38, chr7:85,022,524, plus strand): 5'-GTAATCCACATTGATTCTCTTGAACGTTGGTCCTCCTGCAACTGGGTATACGGACTTATA[C>T]ATCACAGAGTGCCGCTTTATGAAACTGATGACATCATCTGGAAAATCTCGGGTGGACTTA-3'
Protein context (NP_001371829.1, residues 417-437): VISFIKRHSV[Met427Ile]YKSVYPVAGG